The following is an entry in ClinVar:

ClinVar aggregate classification (germline): Uncertain significance. Review status: criteria provided, multiple submitters, no conflicts (2 of 4 stars). 2 submissions from 2 submitters: Uncertain significance (2). Last evaluated 2026-01-27.

Conditions:
Fanconi anemia (FA). Also called: Fanconi's anemia. Identifiers: Orphanet 84, MedGen C0015625, MeSH D005199, MONDO:0019391.
Inborn genetic diseases. Identifiers: MedGen C0950123, MeSH D030342.

Allele frequency attached by ClinVar (database versions not stated): gnomAD exomes 0.00002 and 0.00007; TOPMed 0.00003; ExAC 0.00008.
gnomAD v4.1: 33 of 1,614,086 alleles (0.002%); highest among the groups gnomAD compares: Admixed American, 0.02%; no homozygotes.

Submissions (2):

Labcorp Genetics (formerly Invitae), Labcorp
Classification: Uncertain significance for Fanconi anemia. Last evaluated: 2026-01-27. Review status: criteria provided, single submitter. Criteria: Invitae Variant Classification Sherloc (09022015). Collection method: clinical testing. Allele origin: germline.
Comment: This sequence change replaces arginine, which is basic and polar, with cysteine, which is neutral and slightly polar, at codon 265 of the FANCI protein (p.Arg265Cys). This variant is present in population databases (rs753511061, gnomAD 0.02%). This variant has not been reported in the literature in individuals affected with FANCI-related conditions. ClinVar contains an entry for this variant (Variation ID: 526324). Invitae Evidence Modeling of protein sequence and biophysical properties (such as structural, functional, and spatial information, amino acid conservation, physicochemical variation, residue mobility, and thermodynamic stability) indicates that this missense variant is not expected to disrupt FANCI protein function with a negative predictive value of 80%. In summary, the available evidence is currently insufficient to determine the role of this variant in disease. Therefore, it has been classified as a Variant of Uncertain Significance.

Ambry Genetics
Classification: Uncertain significance for Inborn genetic diseases. Last evaluated: 2025-07-15. Review status: criteria provided, single submitter. Criteria: Ambry Variant Classification Scheme 2023. Collection method: clinical testing. Allele origin: germline.

NM_001113378.2(FANCI):c.793C>T (p.Arg265Cys)

Gene: FANCI (FA complementation group I; plus strand). Cytogenetic location: 15q26.1.
Variant type: single nucleotide variant.
Coding change: c.793C>T on transcript NM_001113378.2 (MANE Select); coding-DNA position 793, C replaced by T.
Protein change: p.Arg265Cys; replaces arginine 265 with cysteine.
Molecular consequence: missense variant.
Genome position (GRCh38, 1-based): chr15:89,268,436, C>T. VCF-style: chr15-89268436-C-T. GRCh37 (hg19) VCF-style: chr15-89811667-C-T.
Other names: c.514C>T, p.Arg172Cys (NM_001376910.1); c.793C>T, p.Arg265Cys (NM_001376911.1, NM_018193.3); short protein forms R265C, R172C.
Identifiers: ClinVar variation 526324 (VCV000526324.9), dbSNP rs753511061, ClinGen allele CA7722770.